The following is an entry in ClinVar:

NM_007194.4(CHEK2):c.1534C>T (p.Leu512=)

Gene: CHEK2 (checkpoint kinase 2; minus strand). Cytogenetic location: 22q12.1.
Variant type: single nucleotide variant.
Coding change: c.1534C>T on transcript NM_007194.4 (MANE Select); coding-DNA position 1534, C replaced by T.
Protein change: p.Leu512=; no amino-acid change (leucine 512 retained).
Molecular consequence: synonymous variant.
Genome position (GRCh38, 1-based): chr22:28,689,143, G>A on the plus strand (C>T on the coding strand, the complement: CHEK2 is on the minus strand). VCF-style: chr22-28689143-G-A. GRCh37 (hg19) VCF-style: chr22-29085131-G-A.
Other names: c.1534C>T (NM_007194.3); c.1663C>T, p.Leu555= (NM_001005735.3); c.871C>T, p.Leu291= (NM_001257387.3); c.1333C>T, p.Leu445= (NM_001349956.3); c.1447C>T, p.Leu483= (NM_145862.3).
Identifiers: ClinVar variation 2783309 (VCV002783309.5), dbSNP rs17882942, ClinGen allele CA513944698.

ClinVar aggregate classification (germline): Benign/Likely benign. Review status: criteria provided, multiple submitters, no conflicts (2 of 4 stars). 4 submissions from 4 submitters: Benign (1); Likely benign (3). Last evaluated 2026-08-31.

Conditions:
Familial cancer of breast. Also called: BREAST CANCER, FAMILIAL; Hereditary breast cancer; hereditary breast carcinoma. Identifiers: Orphanet 227535, MedGen C0346153, MONDO:0016419, OMIM 114480. Disease mechanism: loss of function.
Hereditary cancer-predisposing syndrome. Also called: Hereditary Cancer Syndrome; Hereditary neoplastic syndrome; Neoplastic Syndromes, Hereditary; Tumor predisposition. Identifiers: Orphanet 140162, MedGen C0027672, MeSH D009386, MONDO:0015356.

Submissions (4):

Ambry Genetics
Classification: Likely benign for Hereditary cancer-predisposing syndrome. Last evaluated: 2026-08-31. Review status: criteria provided, single submitter. Criteria: Ambry Variant Classification Scheme 2023. Collection method: clinical testing. Allele origin: germline.

Myriad Genetics, Inc.
Classification: Benign for Familial cancer of breast. Last evaluated: 2024-10-08. Review status: criteria provided, single submitter. Criteria: Myriad Autosomal Dominant, Autosomal Recessive and X-Linked Classification Criteria (2023). Collection method: clinical testing. Allele origin: unknown.
Comment: This variant is considered benign. This variant is a silent/synonymous amino acid change and it is not expected to impact splicing.

Color Diagnostics, LLC DBA Color Health
Classification: Likely benign for Hereditary cancer-predisposing syndrome. Last evaluated: 2024-07-15. Review status: criteria provided, single submitter. Criteria: ACMG Guidelines, 2015. Collection method: clinical testing. Allele origin: germline.

Labcorp Genetics (formerly Invitae), Labcorp
Classification: Likely benign for Familial cancer of breast. Last evaluated: 2023-02-01. Review status: criteria provided, single submitter. Criteria: Invitae Variant Classification Sherloc (09022015). Collection method: clinical testing. Allele origin: germline.